The following is an entry in ClinVar:

NM_001004356.3(FGFRL1):c.283G>A (p.Gly95Ser)

Gene: FGFRL1 (fibroblast growth factor receptor like 1; plus strand). Cytogenetic location: 4p16.3.
Variant type: single nucleotide variant.
Coding change: c.283G>A on transcript NM_001004356.3 (MANE Select); coding-DNA position 283, G replaced by A.
Protein change: p.Gly95Ser; replaces glycine 95 with serine.
Molecular consequence: missense variant.
Genome position (GRCh38, 1-based): chr4:1,022,406, G>A. VCF-style: chr4-1022406-G-A. GRCh37 (hg19) VCF-style: chr4-1016194-G-A.
Other names: c.283G>A, p.Gly95Ser (NM_001004358.1, NM_001370296.1, NM_021923.3); short protein forms G95S.
Identifiers: ClinVar variation 1394468 (VCV001394468.6), dbSNP rs1165301571, ClinGen allele CA355929199.

ClinVar aggregate classification (germline): Uncertain significance (1 of 4 stars; one submission).

Allele frequency attached by ClinVar (database versions not stated): gnomAD exomes 0.00001; TOPMed 0.00001.
gnomAD v4.1: 5 of 1,611,768 alleles (0.00031%); highest among the groups gnomAD compares: Admixed American, 0.0033%; no homozygotes.

Submission:

Labcorp Genetics (formerly Invitae), Labcorp
Classification: Uncertain significance. Last evaluated: 2021-12-02. Review status: criteria provided, single submitter. Criteria: Invitae Variant Classification Sherloc (09022015). Collection method: clinical testing. Allele origin: germline.
Comment: This sequence change replaces glycine, which is neutral and non-polar, with serine, which is neutral and polar, at codon 95 of the FGFRL1 protein (p.Gly95Ser). This variant is present in population databases (no rsID available, gnomAD 0.006%). This variant has not been reported in the literature in individuals affected with FGFRL1-related conditions. Algorithms developed to predict the effect of missense changes on protein structure and function are either unavailable or do not agree on the potential impact of this missense change (SIFT: "Deleterious"; PolyPhen-2: "Probably Damaging"; Align-GVGD: "Class C0"). In summary, the available evidence is currently insufficient to determine the role of this variant in disease. Therefore, it has been classified as a Variant of Uncertain Significance.